The following is an entry in ClinVar:

NM_006031.6(PCNT):c.8889G>C (p.Ser2963=)

Gene: PCNT (pericentrin; plus strand). Cytogenetic location: 21q22.3.
Variant type: single nucleotide variant.
Coding change: c.8889G>C on transcript NM_006031.6 (MANE Select); coding-DNA position 8889, G replaced by C.
Protein change: p.Ser2963=; no amino-acid change (serine 2963 retained).
Molecular consequence: synonymous variant.
Genome position (GRCh38, 1-based): chr21:46,436,041, G>C. VCF-style: chr21-46436041-G-C. GRCh37 (hg19) VCF-style: chr21-47855954-G-C.
Other names: c.8889G>C (NM_006031.5); c.8298G>C, p.Ser2766= (NM_001315529.2).
Identifiers: ClinVar variation 4703121 (VCV004703121.2).
Genomic context (GRCh38, chr21:46,436,041, plus strand): 5'-GAAGGACGAGGTGCCTGGCAGCCGCCTCCACCTAGGTTCTGCCCGCAGGGCTGCCGGCTC[G>C]GATGCGGACCACCTCCGGGAACAGCAGCGAGAGCTGGAGGCGATGAGGCAGCGGCTGCTC-3'
Protein context (NP_006022.3, residues 2953-2973): HLGSARRAAG[Ser2963=]DADHLREQQR

ClinVar aggregate classification (germline): Likely benign. Review status: criteria provided, multiple submitters, no conflicts (2 of 4 stars). 2 submissions from 2 submitters: Likely benign (2). Last evaluated 2025-12-06.

Conditions:
PCNT-related disorder. Also called: PCNT-related condition.

gnomAD v4.1: 11 of 1,613,732 alleles (0.00068%); highest among the groups gnomAD compares: African/African-American, 0.013%; no homozygotes.

Submissions (2):

PreventionGenetics, part of Exact Sciences
Classification: Likely benign for PCNT-related condition. Last evaluated: 2025-12-06. Review status: criteria provided, single submitter. Criteria: ACMG Guidelines, 2015. Collection method: clinical testing. Allele origin: germline.
Comment: This variant is classified as likely benign based on ACMG/AMP sequence variant interpretation guidelines (Richards et al. 2015 PMID: 25741868, with internal and published modifications).

Labcorp Genetics (formerly Invitae), Labcorp
Classification: Likely benign. Last evaluated: 2025-12-03. Review status: criteria provided, single submitter. Criteria: Invitae Variant Classification Sherloc (09022015). Collection method: clinical testing. Allele origin: germline.